The following is an entry in ClinVar:

NM_001033046.4(CYBC1):c.289C>T (p.His97Tyr)

Gene: CYBC1 (cytochrome b-245 chaperone 1; minus strand). Cytogenetic location: 17q25.3.
Variant type: single nucleotide variant.
Coding change: c.289C>T on transcript NM_001033046.4 (MANE Select); coding-DNA position 289, C replaced by T.
Protein change: p.His97Tyr; replaces histidine 97 with tyrosine.
Molecular consequence: missense variant. On other transcripts: non-coding transcript variant (4).
Genome position (GRCh38, 1-based): chr17:82,445,873, G>A on the plus strand (C>T on the coding strand, the complement: CYBC1 is on the minus strand). VCF-style: chr17-82445873-G-A. GRCh37 (hg19) VCF-style: chr17-80403749-G-A.
Other names: c.289C>T, p.His97Tyr (NM_001100407.3, NM_001193653.2, NM_001193654.2 and 2 more transcripts); c.247C>T, p.His83Tyr (NM_001100408.3); short protein forms H83Y, H97Y.
Identifiers: ClinVar variation 1682716 (VCV001682716.5), dbSNP rs1304082901, ClinGen allele CA401608796.

ClinVar aggregate classification (germline): Uncertain significance (1 of 4 stars; one submission).

Allele frequency attached by ClinVar (database versions not stated): gnomAD exomes below 0.00001; gnomAD 0.00001; TOPMed 0.00001.
gnomAD v4.1: 7 of 1,611,032 alleles (0.00043%); highest among the groups gnomAD compares: Middle Eastern, 0.033%; no homozygotes.

Submission:

Labcorp Genetics (formerly Invitae), Labcorp
Classification: Uncertain significance. Last evaluated: 2021-08-14. Review status: criteria provided, single submitter. Criteria: Invitae Variant Classification Sherloc (09022015). Collection method: clinical testing. Allele origin: germline.
Comment: This sequence change replaces histidine with tyrosine at codon 97 of the C17orf62 protein (p.His97Tyr). The histidine residue is highly conserved and there is a moderate physicochemical difference between histidine and tyrosine. This variant is not present in population databases (ExAC no frequency). This variant has not been reported in the literature in individuals affected with C17orf62-related conditions. Algorithms developed to predict the effect of missense changes on protein structure and function are either unavailable or do not agree on the potential impact of this missense change (SIFT: "Deleterious"; PolyPhen-2: "Possibly Damaging"; Align-GVGD: "Class C0"). In summary, the available evidence is currently insufficient to determine the role of this variant in disease. Therefore, it has been classified as a Variant of Uncertain Significance.